The following is an entry in ClinVar:

ClinVar aggregate classification (germline): Uncertain significance (1 of 4 stars; one submission).

Conditions:
Autosomal dominant polycystic kidney disease. Identifiers: Orphanet 730, MedGen C0085413, MONDO:0004691.

Submission:

Labcorp Genetics (formerly Invitae), Labcorp
Classification: Uncertain significance for Autosomal dominant polycystic kidney disease. Last evaluated: 2025-12-15. Review status: criteria provided, single submitter. Criteria: Invitae Variant Classification Sherloc (09022015). Collection method: clinical testing. Allele origin: germline.
Comment: This sequence change replaces glycine, which is neutral and non-polar, with arginine, which is basic and polar, at codon 140 of the PKD2 protein (p.Gly140Arg). This variant is not present in population databases (gnomAD no frequency). This variant has not been reported in the literature in individuals affected with PKD2-related conditions. ClinVar contains an entry for this variant (Variation ID: 3665560). An algorithm developed to predict the effect of missense changes on protein structure and function (PolyPhen-2) suggests that this variant is likely to be tolerated. In summary, the available evidence is currently insufficient to determine the role of this variant in disease. Therefore, it has been classified as a Variant of Uncertain Significance.

NM_000297.4(PKD2):c.418G>A (p.Gly140Arg)

Genes: PKD2 (polycystin 2, transient receptor potential cation channel; plus strand), LOC129992813 (ATAC-STARR-seq lymphoblastoid silent region 15559; plus strand). Cytogenetic location: 4q22.1.
Variant type: single nucleotide variant.
Coding change: c.418G>A on transcript NM_000297.4 (MANE Select); coding-DNA position 418, G replaced by A.
Protein change: p.Gly140Arg; replaces glycine 140 with arginine.
Molecular consequence: missense variant. On other transcripts: non-coding transcript variant (1).
Genome position (GRCh38, 1-based): chr4:88,008,151, G>A. VCF-style: chr4-88008151-G-A. GRCh37 (hg19) VCF-style: chr4-88929303-G-A.
Other names: short protein forms G140R.
Identifiers: ClinVar variation 3665560 (VCV003665560.2).